The following is an entry in ClinVar:

NM_198252.3(GSN):c.871dup (p.Ile291fs)

Gene: GSN (gelsolin; plus strand). Cytogenetic location: 9q33.2.
Variant type: Duplication.
Coding change: c.871dup on transcript NM_198252.3 (MANE Select); coding-DNA position 871, one base duplicated (A; older notation c.871dupA).
Protein change: p.Ile291fs; shifts the reading frame from isoleucine 291.
Molecular consequence: frameshift variant.
Genome position (GRCh38, 1-based): chr9:121,317,203, A duplicated; the last of 4 consecutive A bases (chr9:121,317,200-121,317,203); duplicating any one gives the same sequence. VCF-style (leftmost placement, unchanged base first): chr9-121317199-G-GA. GRCh37 (hg19) VCF-style: chr9-124079477-G-GA.
Other names: c.904dup, p.Ile302fs (NM_001127667.2, NM_001127666.2, NM_001353063.2 and 13 more transcripts); c.922dup, p.Ile308fs (NM_001258029.2); c.895dup, p.Ile299fs (NM_001258030.2); c.871dup, p.Ile291fs (NM_001353053.1, NM_001353054.1, NM_001353055.2 and 10 more transcripts); c.1024dup, p.Ile342fs (NM_000177.5); c.979dup, p.Ile327fs (NM_001127663.2); c.943dup, p.Ile315fs (NM_001353076.2); c.217dup, p.Ile73fs (NM_001353078.2); short protein forms I308fs, I302fs, I315fs, I327fs, I73fs, I299fs, I291fs, I342fs.
Identifiers: ClinVar variation 2046194 (VCV002046194.4), dbSNP rs2061818636, ClinGen allele CA1128808371.
Genomic context (GRCh38, chr9:121,317,199, plus strand): 5'-CTTCGCCCAGGGGGCCCTGAAGTCAGAGGACTGCTTCATCCTGGACCACGGCAAAGATGG[G>GA]AAAATCTTTGTCTGGAAAGGTACTGGAGACAGGGAAAGGGTCCCAACTGGCCTGTAGGAT-3'

ClinVar aggregate classification (germline): Uncertain significance (1 of 4 stars; one submission).

Submission:

Labcorp Genetics (formerly Invitae), Labcorp
Classification: Uncertain significance. Last evaluated: 2024-12-30. Review status: criteria provided, single submitter. Criteria: Invitae Variant Classification Sherloc (09022015). Collection method: clinical testing. Allele origin: germline.
Comment: This sequence change creates a premature translational stop signal (p.Ile342Asnfs*23) in the GSN gene. It is expected to result in an absent or disrupted protein product. However, the current clinical and genetic evidence is not sufficient to establish whether loss-of-function variants in GSN cause disease. This variant is not present in population databases (gnomAD no frequency). This variant has not been reported in the literature in individuals affected with GSN-related conditions. ClinVar contains an entry for this variant (Variation ID: 2046194). In summary, the available evidence is currently insufficient to determine the role of this variant in disease. Therefore, it has been classified as a Variant of Uncertain Significance.